The following is an entry in ClinVar:

NM_024649.5(BBS1):c.480-3C>G

Gene: BBS1 (Bardet-Biedl syndrome 1; plus strand). Cytogenetic location: 11q13.2.
Variant type: single nucleotide variant.
Coding change: c.480-3C>G on transcript NM_024649.5 (MANE Select); 3 bases into the intron before coding-DNA position 480, C replaced by G.
Molecular consequence: intron variant.
Genome position (GRCh38, 1-based): chr11:66,515,690, C>G. VCF-style: chr11-66515690-C-G. GRCh37 (hg19) VCF-style: chr11-66283161-C-G.
Identifiers: ClinVar variation 4855122 (VCV004855122.1).
Genomic context (GRCh38, chr11:66,515,690, plus strand): 5'-CCCATCTGAGCCCCAGGGCCCCATTCTTCCATTCGGCTGCCATGCTGGCCCCTTTCCTTG[C>G]AGGGAGACGGCAGAGGAGCCTTTGTCCATCCAGTCACTCAGGTAAGGACCCTGTGGAGGG-3'

ClinVar aggregate classification (germline): Uncertain significance (1 of 4 stars; one submission).

Conditions:
Bardet-Biedl syndrome 1 (BBS1). Identifiers: MedGen C2936862, MONDO:0008854, OMIM 209900. Disease mechanism: loss of function.

Submission:

3billion
Classification: Uncertain significance for Bardet-Biedl syndrome 1. Last evaluated: 2025-08-12. Review status: criteria provided, single submitter. Criteria: ACMG Guidelines, 2015. Collection method: clinical testing. Allele origin: germline. Affected: yes.
Comment: The variant is not observed in the gnomAD v4.1.0 dataset. Predicted Consequence/Location: Intron variant In silico tools predict the variant to alter splicing and produce an abnormal transcript [SpliceAI: 0.92 (>=0.2, moderate evidence for spliceogenicity)]. Therefore, this variant is classified as VUS according to the recommendation of ACMG/AMP guideline.